The following is an entry in ClinVar:

ClinVar aggregate classification (germline): Likely benign. Review status: criteria provided, single submitter (1 of 4 stars). 2 submissions from 2 submitters: Likely benign (1). 1 of the submissions does not count toward it. Last evaluated 2025-08-11.

Conditions:
AHDC1-related disorder. Also called: AHDC1-related condition.

gnomAD v4.1: 8 of 1,613,464 alleles (0.0005%); highest among the groups gnomAD compares: Admixed American, 0.013%; no homozygotes.

Submissions (2):

Labcorp Genetics (formerly Invitae), Labcorp
Classification: Likely benign. Last evaluated: 2025-08-11. Review status: criteria provided, single submitter. Criteria: Invitae Variant Classification Sherloc (09022015). Collection method: clinical testing. Allele origin: germline.

PreventionGenetics, part of Exact Sciences
Classification: Likely benign for AHDC1-related condition. Last evaluated: 2023-09-26. Review status: no assertion criteria provided. Collection method: clinical testing. Allele origin: germline. Not counted in ClinVar's aggregate classification.
Comment: This variant is classified as likely benign based on ACMG/AMP sequence variant interpretation guidelines (Richards et al. 2015 PMID: 25741868, with internal and published modifications).

NM_001371928.1(AHDC1):c.3551G>T (p.Arg1184Leu)

Gene: AHDC1 (AT-hook DNA binding motif containing 1; minus strand). Cytogenetic location: 1p36.11.
Variant type: single nucleotide variant.
Coding change: c.3551G>T on transcript NM_001371928.1 (MANE Select); coding-DNA position 3551, G replaced by T.
Protein change: p.Arg1184Leu; replaces arginine 1184 with leucine.
Molecular consequence: missense variant.
Genome position (GRCh38, 1-based): chr1:27,548,565, C>A on the plus strand (G>T on the coding strand, the complement: AHDC1 is on the minus strand). VCF-style: chr1-27548565-C-A. GRCh37 (hg19) VCF-style: chr1-27875076-C-A.
Other names: c.3551G>T, p.Arg1184Leu (NM_001029882.3); short protein forms R1184L.
Identifiers: ClinVar variation 1478773 (VCV001478773.8), dbSNP rs547656373, ClinGen allele CA715538.